The following is an entry in ClinVar:

ClinVar aggregate classification (germline): Conflicting classifications of pathogenicity. Review status: criteria provided, conflicting classifications (1 of 4 stars). 2 submissions from 2 submitters: Uncertain significance (1); Likely benign (1). Last evaluated 2025-08-23.

Allele frequency attached by ClinVar (database versions not stated): gnomAD 0.00032; 1000 Genomes Project 0.00100; ExAC 0.00202.

Submissions (2):

Ambry Genetics
Classification: Uncertain significance. Last evaluated: 2025-08-23. Review status: criteria provided, single submitter. Criteria: Ambry Variant Classification Scheme 2023. Collection method: clinical testing. Allele origin: germline.

CeGaT Center for Human Genetics Tuebingen
Classification: Likely benign. Last evaluated: 2023-12-01. Review status: criteria provided, single submitter. Criteria: CeGaT Center For Human Genetics Tuebingen Variant Classification Criteria Version 2. Collection method: clinical testing. Allele origin: germline. Affected: yes. Observed: 1 variant allele.
Comment: IGFN1: BP4

NM_001164586.2(IGFN1):c.6128G>C (p.Arg2043Thr)

Gene: IGFN1 (immunoglobulin like and fibronectin type III domain containing 1; plus strand). Cytogenetic location: 1q32.1.
Variant type: single nucleotide variant.
Coding change: c.6128G>C on transcript NM_001164586.2 (MANE Select); coding-DNA position 6128, G replaced by C.
Protein change: p.Arg2043Thr; replaces arginine 2043 with threonine.
Molecular consequence: missense variant. On other transcripts: intron variant (1).
Genome position (GRCh38, 1-based): chr1:201,211,021, G>C. VCF-style: chr1-201211021-G-C. GRCh37 (hg19) VCF-style: chr1-201180149-G-C.
Other names: c.1242-2485G>C (NM_001367841.1); c.6128G>C (NM_001164586.1); short protein forms R2043T.
Identifiers: ClinVar variation 3025070 (VCV003025070.23), dbSNP rs550400764, ClinGen allele CA1322711.